The following is an entry in ClinVar:

NM_000334.4(SCN4A):c.2563A>G (p.Met855Val)

Genes: GH-LCR (growth hormone locus control region; plus strand), SCN4A (sodium voltage-gated channel alpha subunit 4; minus strand). Cytogenetic location: 17q23.3.
Variant type: single nucleotide variant.
Coding change: c.2563A>G on transcript NM_000334.4 (MANE Select); coding-DNA position 2563, A replaced by G.
Protein change: p.Met855Val; replaces methionine 855 with valine.
Molecular consequence: missense variant.
Genome position (GRCh38, 1-based): chr17:63,951,714, T>C on the plus strand (A>G on the coding strand, the complement: SCN4A is on the minus strand). VCF-style: chr17-63951714-T-C. GRCh37 (hg19) VCF-style: chr17-62029074-T-C.
Other names: short protein forms M855V.
Identifiers: ClinVar variation 324534 (VCV000324534.34), dbSNP rs372019457, ClinGen allele CA8709564.

ClinVar aggregate classification (germline): Conflicting classifications of pathogenicity. Review status: criteria provided, conflicting classifications (1 of 4 stars). 12 submissions from 8 submitters: Uncertain significance (5); Benign (4); Likely benign (2). 1 of the submissions does not count toward it. Last evaluated 2026-02-01.

Conditions:
Hypokalemic periodic paralysis, type 2 (HOKPP2). Identifiers: Orphanet 681, MedGen C2750061, MONDO:0013234, OMIM 613345.
Congenital myopathy 22A, classic (CMYO22A). Identifiers: MedGen C5830453, MONDO:0957247, OMIM 620351.
Congenital myopathy 22B, severe fetal (CMYO22B). Identifiers: MedGen C5830501, MONDO:0957265, OMIM 620369.
Congenital myasthenic syndrome 16. Identifiers: Orphanet 590, MedGen C3280112, MONDO:0013620, OMIM 614198.
Paramyotonia congenita of Von Eulenburg. Also called: Paramyotonia Congenita; PARALYSIS PERIODICA PARAMYOTONICA; Eulenburg disease; Myotonia congenita intermittens; Von Eulenburg paramyotonia congenita. Identifiers: Orphanet 684, MedGen C0221055, MONDO:0008195, OMIM 168300. Disease mechanism: loss of function.
Hyperkalemic periodic paralysis. Also called: Familial hyperkalemic periodic paralysis; Gamstorp disease. Identifiers: Orphanet 682, MedGen C0238357, MONDO:0008224, OMIM 170500, HP:0007215.
Potassium-aggravated myotonia. Also called: Myotonia congenita, atypical, acetazolamide-responsive; MYOTONIA CONGENITA, ACETAZOLAMIDE-RESPONSIVE; MYOTONIA CONGENITA, ATYPICAL; SODIUM CHANNEL MUSCLE DISEASE. Identifiers: Orphanet 612, Orphanet 99734, Orphanet 99735, Orphanet 99736, MedGen C2931826, MONDO:0018959, OMIM 608390.
SCN4A-related disorder. Also called: SCN4A-related disorders.

Allele frequency attached by ClinVar (database versions not stated): TOPMed 0.00028; ExAC 0.00046; gnomAD 0.00011; gnomAD exomes 0.00020 and 0.00027; ESP Exome Variant Server 0.00008; 1000 Genomes Project 30x 0.00016.
gnomAD v4.1: 408 of 1,595,494 alleles (0.026%); highest among the groups gnomAD compares: Non-Finnish European, 0.032%; no homozygotes.

Submissions (12):

Labcorp Genetics (formerly Invitae), Labcorp
Classification: Uncertain significance for Hyperkalemic periodic paralysis. Last evaluated: 2026-02-01. Review status: criteria provided, single submitter. Criteria: Invitae Variant Classification Sherloc (09022015). Collection method: clinical testing. Allele origin: germline.
Comment: This sequence change replaces methionine, which is neutral and non-polar, with valine, which is neutral and non-polar, at codon 855 of the SCN4A protein (p.Met855Val). This variant is present in population databases (rs372019457, gnomAD 0.03%). This missense change has been observed in individual(s) with SCN4A-related conditions (PMID: 33652732). ClinVar contains an entry for this variant (Variation ID: 324534). Invitae Evidence Modeling of protein sequence and biophysical properties (such as structural, functional, and spatial information, amino acid conservation, physicochemical variation, residue mobility, and thermodynamic stability) indicates that this missense variant is not expected to disrupt SCN4A protein function with a negative predictive value of 95%. In summary, the available evidence is currently insufficient to determine the role of this variant in disease. Therefore, it has been classified as a Variant of Uncertain Significance.

CeGaT Center for Human Genetics Tuebingen
Classification: Uncertain significance. Last evaluated: 2025-02-01. Review status: criteria provided, single submitter. Criteria: CeGaT Center For Human Genetics Tuebingen Variant Classification Criteria Version 2. Collection method: clinical testing. Allele origin: germline. Affected: yes. Observed: 1 variant allele.
Comment: SCN4A: PM2, BP4

Revvity Omics, Revvity
Classification: Uncertain significance. Last evaluated: 2024-04-10. Review status: criteria provided, single submitter. Criteria: ACMG Guidelines, 2015. Collection method: clinical testing. Allele origin: germline.

Fulgent Genetics
Classification: Likely benign for Paramyotonia congenita of Von Eulenburg; Hyperkalemic periodic paralysis; Potassium-aggravated myotonia; Hypokalemic periodic paralysis, type 2; Congenital myasthenic syndrome 16; Congenital myopathy 22A, classic; Congenital myopathy 22B, severe fetal. Last evaluated: 2024-02-20. Review status: criteria provided, single submitter. Criteria: ACMG Guidelines, 2015. Collection method: clinical testing. Allele origin: germline.

Athena Diagnostics
Classification: Likely benign. Last evaluated: 2023-10-24. Review status: criteria provided, single submitter. Criteria: Athena Diagnostics Criteria. Collection method: clinical testing. Allele origin: unknown.

GeneDx
Classification: Uncertain significance. Last evaluated: 2023-04-07. Review status: criteria provided, single submitter. Criteria: GeneDx Variant Classification Process June 2021. Collection method: clinical testing. Allele origin: germline. Affected: yes.
Comment: Has not been previously published as pathogenic or benign to our knowledge; In silico analysis supports that this missense variant does not alter protein structure/function

Illumina Laboratory Services, Illumina
Classification: Benign for Hyperkalemic periodic paralysis. Last evaluated: 2018-01-13. Review status: criteria provided, single submitter. Criteria: ICSL Variant Classification Criteria 13 December 2019. Collection method: clinical testing. Allele origin: germline.
Comment: This variant was observed in the ICSL laboratory as part of a predisposition screen in an ostensibly healthy population. It had not been previously curated by ICSL or reported in the Human Gene Mutation Database (HGMD: prior to June 1st, 2018), and was therefore a candidate for classification through an automated scoring system. Utilizing variant allele frequency, disease prevalence and penetrance estimates, and inheritance mode, an automated score was calculated to assess if this variant is too frequent to cause the disease. Based on the score and internal cut-off values, a variant classified as benign is not then subjected to further curation. The score for this variant resulted in a classification of benign for this disease.

Illumina Laboratory Services, Illumina
Classification: Benign for Paramyotonia congenita of Von Eulenburg. Last evaluated: 2018-01-13. Review status: criteria provided, single submitter. Criteria: ICSL Variant Classification Criteria 13 December 2019. Collection method: clinical testing. Allele origin: germline.
Comment: the same text as in the submission from Illumina Laboratory Services, Illumina above.

Illumina Laboratory Services, Illumina
Classification: Benign for Hypokalemic periodic paralysis, type 2. Last evaluated: 2018-01-13. Review status: criteria provided, single submitter. Criteria: ICSL Variant Classification Criteria 13 December 2019. Collection method: clinical testing. Allele origin: germline.
Comment: the same text as in the submission from Illumina Laboratory Services, Illumina above.

Illumina Laboratory Services, Illumina
Classification: Benign for Potassium-aggravated myotonia. Last evaluated: 2018-01-13. Review status: criteria provided, single submitter. Criteria: ICSL Variant Classification Criteria 13 December 2019. Collection method: clinical testing. Allele origin: germline.
Comment: the same text as in the submission from Illumina Laboratory Services, Illumina above.

Illumina Laboratory Services, Illumina
Classification: Uncertain significance for Congenital myasthenic syndrome 16. Last evaluated: 2018-01-13. Review status: criteria provided, single submitter. Criteria: ICSL Variant Classification Criteria 13 December 2019. Collection method: clinical testing. Allele origin: germline.

PreventionGenetics, part of Exact Sciences
Classification: Uncertain significance for SCN4A-related condition. Last evaluated: 2024-05-06. Review status: no assertion criteria provided. Collection method: clinical testing. Allele origin: germline. Not counted in ClinVar's aggregate classification.
Comment: The SCN4A c.2563A>G variant is predicted to result in the amino acid substitution p.Met855Val. To our knowledge, this variant has not been reported in the literature. This variant is reported in 0.032% of alleles in individuals of European (non-Finnish) descent in gnomAD, which is likely too common for SCN4A autosomal dominant related-disorders. At this time, the clinical significance of this variant is uncertain due to the absence of conclusive functional and genetic evidence.

Literature cited by the submitters: PubMed 33652732 (cited by Labcorp Genetics (formerly Invitae), Labcorp and Athena Diagnostics).